The following is an entry in ClinVar:

NM_001851.6(COL9A1):c.1039G>C (p.Gly347Arg)

Gene: COL9A1 (collagen type IX alpha 1 chain; minus strand). Cytogenetic location: 6q13.
Variant type: single nucleotide variant.
Coding change: c.1039G>C on transcript NM_001851.6 (MANE Select); coding-DNA position 1039, G replaced by C.
Protein change: p.Gly347Arg; replaces glycine 347 with arginine.
Molecular consequence: missense variant. On other transcripts: non-coding transcript variant (1).
Genome position (GRCh38, 1-based): chr6:70,274,073, C>G on the plus strand (G>C on the coding strand, the complement: COL9A1 is on the minus strand). VCF-style: chr6-70274073-C-G. GRCh37 (hg19) VCF-style: chr6-70983776-C-G.
Other names: c.310G>C, p.Gly104Arg (NM_001377289.1, NM_001377290.1, NM_078485.4); short protein forms G104R, G347R.
Identifiers: ClinVar variation 2053161 (VCV002053161.2), dbSNP rs754173530, ClinGen allele CA3882478.

ClinVar aggregate classification (germline): Uncertain significance. Review status: criteria provided, multiple submitters, no conflicts (2 of 4 stars). 2 submissions from 2 submitters: Uncertain significance (2). Last evaluated 2023-12-18.

Allele frequency attached by ClinVar (database versions not stated): TOPMed below 0.00001; gnomAD 0.00001; gnomAD exomes 0.00001.
gnomAD v4.1: 10 of 1,586,520 alleles (0.00063%); highest among the groups gnomAD compares: Non-Finnish European, 0.00086%; no homozygotes.

Submissions (2):

Blueprint Genetics
Classification: Uncertain significance. Last evaluated: 2023-12-18. Review status: criteria provided, single submitter. Criteria: ACMG Guidelines, 2015. Collection method: clinical testing. Allele origin: germline.

Labcorp Genetics (formerly Invitae), Labcorp
Classification: Uncertain significance. Last evaluated: 2022-05-29. Review status: criteria provided, single submitter. Criteria: Invitae Variant Classification Sherloc (09022015). Collection method: clinical testing. Allele origin: germline.
Comment: This sequence change replaces glycine, which is neutral and non-polar, with arginine, which is basic and polar, at codon 347 of the COL9A1 protein (p.Gly347Arg). This variant is present in population databases (rs754173530, gnomAD 0.006%). This variant has not been reported in the literature in individuals affected with COL9A1-related conditions. Advanced modeling of protein sequence and biophysical properties (such as structural, functional, and spatial information, amino acid conservation, physicochemical variation, residue mobility, and thermodynamic stability) performed at Invitae indicates that this missense variant is expected to disrupt COL9A1 protein function. In summary, the available evidence is currently insufficient to determine the role of this variant in disease. Therefore, it has been classified as a Variant of Uncertain Significance.